The following is an entry in ClinVar:

ClinVar aggregate classification (germline): Conflicting classifications of pathogenicity. Review status: criteria provided, conflicting classifications (1 of 4 stars). 4 submissions from 4 submitters: Uncertain significance (1); Benign (1); Likely benign (1). 1 of the submissions does not count toward it. Last evaluated 2026-02-01.

Conditions:
PEX19-related disorder. Also called: PEX19-related condition.
Peroxisome biogenesis disorder 12A (Zellweger). Also called: Peroxisome biogenesis disorder 12A. Identifiers: Orphanet 912, MedGen C3554002, MONDO:0013951, OMIM 614886.

Allele frequency attached by ClinVar (database versions not stated): gnomAD exomes 0.00007 and 0.00020; 1000 Genomes Project 0.00020; ExAC 0.00022; 1000 Genomes Project 30x 0.00031; gnomAD 0.00072 and 0.00078; TOPMed 0.00075; ESP Exome Variant Server 0.00077.
gnomAD v4.1: 208 of 1,614,048 alleles (0.013%); highest among the groups gnomAD compares: African/African-American, 0.25%; 1 homozygote.

Submissions (4):

Labcorp Genetics (formerly Invitae), Labcorp
Classification: Benign for Peroxisome biogenesis disorder 12A (Zellweger). Last evaluated: 2026-02-01. Review status: criteria provided, single submitter. Criteria: Invitae Variant Classification Sherloc (09022015). Collection method: clinical testing. Allele origin: germline.

Blueprint Genetics
Classification: Likely benign. Last evaluated: 2024-10-25. Review status: criteria provided, single submitter. Criteria: ACMG Guidelines, 2015. Collection method: clinical testing. Allele origin: germline.

Eurofins Ntd Llc (ga)
Classification: Uncertain significance. Last evaluated: 2018-06-20. Review status: criteria provided, single submitter. Criteria: EGL ClinVar v180209 classification definitions. Collection method: clinical testing. Allele origin: germline. Observed: 10 variant alleles, 10 heterozygotes.

PreventionGenetics, part of Exact Sciences
Classification: Likely benign for PEX19-related condition. Last evaluated: 2019-12-02. Review status: no assertion criteria provided. Collection method: clinical testing. Allele origin: germline. Not counted in ClinVar's aggregate classification.
Comment: This variant is classified as likely benign based on ACMG/AMP sequence variant interpretation guidelines (Richards et al. 2015 PMID: 25741868, with internal and published modifications).

NM_002857.4(PEX19):c.564G>A (p.Leu188=)

Gene: PEX19 (peroxisomal biogenesis factor 19; minus strand). Cytogenetic location: 1q23.2.
Variant type: single nucleotide variant.
Coding change: c.564G>A on transcript NM_002857.4 (MANE Select); coding-DNA position 564, G replaced by A.
Protein change: p.Leu188=; no amino-acid change (leucine 188 retained).
Molecular consequence: synonymous variant. On other transcripts: non-coding transcript variant (2).
Genome position (GRCh38, 1-based): chr1:160,282,069, C>T on the plus strand (G>A on the coding strand, the complement: PEX19 is on the minus strand). VCF-style: chr1-160282069-C-T. GRCh37 (hg19) VCF-style: chr1-160251859-C-T.
Other names: c.564G>A, p.Leu188= (NM_001193644.1).
Identifiers: ClinVar variation 498142 (VCV000498142.18), dbSNP rs149058086, ClinGen allele CA1197321.